The following is an entry in ClinVar:

NM_133433.4(NIPBL):c.828G>A (p.Gln276=)

Gene: NIPBL (NIPBL cohesin loading factor; plus strand). Cytogenetic location: 5p13.2.
Variant type: single nucleotide variant.
Coding change: c.828G>A on transcript NM_133433.4 (MANE Select); coding-DNA position 828, G replaced by A.
Protein change: p.Gln276=; no amino-acid change (glutamine 276 retained).
Molecular consequence: synonymous variant.
Genome position (GRCh38, 1-based): chr5:36,972,001, G>A. VCF-style: chr5-36972001-G-A. GRCh37 (hg19) VCF-style: chr5-36972103-G-A.
Other names: c.828G>A, p.Gln276= (NM_015384.5).
Identifiers: ClinVar variation 3356868 (VCV003356868.1).

ClinVar aggregate classification (germline): Likely benign (0 of 4 stars; one submission).

Conditions:
NIPBL-related disorder. Also called: NIPBL-related condition.

gnomAD v4.1: 9 of 1,613,348 alleles (0.00056%); highest among the groups gnomAD compares: Non-Finnish European, 0.00068%; no homozygotes.

Submission:

PreventionGenetics, part of Exact Sciences
Classification: Likely benign for NIPBL-related condition. Last evaluated: 2024-07-17. Review status: no assertion criteria provided. Collection method: clinical testing. Allele origin: germline.
Comment: This variant is classified as likely benign based on ACMG/AMP sequence variant interpretation guidelines (Richards et al. 2015 PMID: 25741868, with internal and published modifications).